The following is an entry in ClinVar:

NM_002439.5(MSH3):c.655A>G (p.Lys219Glu)

Gene: MSH3 (mutS homolog 3; plus strand). Cytogenetic location: 5q14.1.
Variant type: single nucleotide variant.
Coding change: c.655A>G on transcript NM_002439.5 (MANE Select); coding-DNA position 655, A replaced by G.
Protein change: p.Lys219Glu; replaces lysine 219 with glutamic acid.
Molecular consequence: missense variant.
Genome position (GRCh38, 1-based): chr5:80,670,172, A>G. VCF-style: chr5-80670172-A-G. GRCh37 (hg19) VCF-style: chr5-79965991-A-G.
Other names: c.655A>G (NM_002439.3); short protein forms K219E.
Identifiers: ClinVar variation 1035979 (VCV001035979.10), dbSNP rs1473248894, ClinGen allele CA360266647.
Genomic context (GRCh38, chr5:80,670,172, plus strand): 5'-GATCTCAGTCAGTTTGGATCATCAAATACAAGTCATGAAAATTTACAGAAAACTGCTTCC[A>G]AATCAGCTAACAAACGGTCCAAAAGCATCTATACGCCGCTAGAATTACAATACATAGAAA-3'
Protein context (NP_002430.3, residues 209-229): SHENLQKTAS[Lys219Glu]SANKRSKSIY

ClinVar aggregate classification (germline): Uncertain significance. Review status: criteria provided, multiple submitters, no conflicts (2 of 4 stars). 2 submissions from 2 submitters: Uncertain significance (2). Last evaluated 2024-12-16.

Conditions:
Hereditary cancer-predisposing syndrome. Also called: Neoplastic Syndromes, Hereditary; Hereditary Cancer Syndrome; Tumor predisposition; Hereditary neoplastic syndrome. Identifiers: Orphanet 140162, MedGen C0027672, MeSH D009386, MONDO:0015356.

Submissions (2):

Ambry Genetics
Classification: Uncertain significance for Hereditary cancer-predisposing syndrome. Last evaluated: 2024-12-16. Review status: criteria provided, single submitter. Criteria: Ambry Variant Classification Scheme 2023. Collection method: clinical testing. Allele origin: germline.
Comment: The p.K219E variant (also known as c.655A>G), located in coding exon 4 of the MSH3 gene, results from an A to G substitution at nucleotide position 655. The lysine at codon 219 is replaced by glutamic acid, an amino acid with similar properties. This amino acid position is conserved. In addition, the in silico prediction for this alteration is inconclusive. Based on the available evidence, the clinical significance of this variant remains unclear.

Labcorp Genetics (formerly Invitae), Labcorp
Classification: Uncertain significance. Last evaluated: 2024-01-24. Review status: criteria provided, single submitter. Criteria: Invitae Variant Classification Sherloc (09022015). Collection method: clinical testing. Allele origin: germline.
Comment: This sequence change replaces lysine, which is basic and polar, with glutamic acid, which is acidic and polar, at codon 219 of the MSH3 protein (p.Lys219Glu). This variant is not present in population databases (gnomAD no frequency). This variant has not been reported in the literature in individuals affected with MSH3-related conditions. ClinVar contains an entry for this variant (Variation ID: 1035979). An algorithm developed to predict the effect of missense changes on protein structure and function (PolyPhen-2) suggests that this variant is likely to be tolerated. In summary, the available evidence is currently insufficient to determine the role of this variant in disease. Therefore, it has been classified as a Variant of Uncertain Significance.